The following is an entry in ClinVar:

NM_000059.4(BRCA2):c.4747A>T (p.Ile1583Phe)

Gene: BRCA2 (BRCA2 DNA repair associated; plus strand). Cytogenetic location: 13q13.1.
Variant type: single nucleotide variant.
Coding change: c.4747A>T on transcript NM_000059.4 (MANE Select); coding-DNA position 4747, A replaced by T.
Protein change: p.Ile1583Phe; replaces isoleucine 1583 with phenylalanine.
Molecular consequence: missense variant.
Genome position (GRCh38, 1-based): chr13:32,339,102, A>T. VCF-style: chr13-32339102-A-T. GRCh37 (hg19) VCF-style: chr13-32913239-A-T.
Other names: 4975A>T; short protein forms I1583F.
Identifiers: ClinVar variation 96810 (VCV000096810.18), dbSNP rs56072130, ClinGen allele CA020749.
Genomic context (GRCh38, chr13:32,339,102, plus strand): 5'-TGGGCAAAGACCCTAAAGTACAGAGAGGCCTGTAAAGACCTTGAATTAGCATGTGAGACC[A>T]TTGAGATCACAGCTGCCCCAAAGTGTAAAGAAATGCAGAATTCTCTCAATAATGATAAAA-3'
Protein context (NP_000050.3, residues 1573-1593): CKDLELACET[Ile1583Phe]EITAAPKCKE

ClinVar aggregate classification (germline): Conflicting classifications of pathogenicity. Review status: criteria provided, conflicting classifications (1 of 4 stars). 8 submissions from 8 submitters: Uncertain significance (6); Likely benign (1). 1 of the submissions does not count toward it. Last evaluated 2025-12-29.

Conditions:
Hereditary cancer-predisposing syndrome. Also called: Hereditary Cancer Syndrome; Neoplastic Syndromes, Hereditary; Hereditary neoplastic syndrome; Tumor predisposition. Identifiers: Orphanet 140162, MedGen C0027672, MeSH D009386, MONDO:0015356.
Hereditary breast ovarian cancer syndrome. Also called: Breast and ovarian cancer; Hereditary breast and/or ovarian cancer syndrome; Hereditary breast and ovarian cancer; Hereditary breast and ovarian cancer syndrome; Hereditary breast and ovarian cancer syndrome (HBOC); BRCA1- and BRCA2-Associated Hereditary Breast and Ovarian Cancer. Identifiers: Orphanet 145, MedGen C0677776, MeSH D061325, MONDO:0003582. Disease mechanism: loss of function.
Breast-ovarian cancer, familial, susceptibility to, 2 (BROVCA2). Also called: BRCA2 Hereditary Breast and Ovarian Cancer. Identifiers: Orphanet 145, MedGen C2675520, MONDO:0012933, OMIM 612555. Disease mechanism: loss of function.

Allele frequency attached by ClinVar (database versions not stated): gnomAD exomes 0.00001; ExAC 0.00001.
gnomAD v4.1: 2 of 1,614,038 alleles (0.00012%); highest among the groups gnomAD compares: Non-Finnish European, 0.00017%; no homozygotes.

Submissions (8):

Labcorp Genetics (formerly Invitae), Labcorp
Classification: Uncertain significance for Hereditary breast ovarian cancer syndrome. Last evaluated: 2025-12-29. Review status: criteria provided, single submitter. Criteria: Invitae Variant Classification Sherloc (09022015). Collection method: clinical testing. Allele origin: germline.
Comment: This sequence change replaces isoleucine, which is neutral and non-polar, with phenylalanine, which is neutral and non-polar, at codon 1583 of the BRCA2 protein (p.Ile1583Phe). This variant is present in population databases (rs56072130, gnomAD 0.002%). This variant has not been reported in the literature in individuals affected with BRCA2-related conditions. ClinVar contains an entry for this variant (Variation ID: 96810). Invitae Evidence Modeling of protein sequence and biophysical properties (such as structural, functional, and spatial information, amino acid conservation, physicochemical variation, residue mobility, and thermodynamic stability) indicates that this missense variant is not expected to disrupt BRCA2 protein function with a negative predictive value of 95%. In summary, the available evidence is currently insufficient to determine the role of this variant in disease. Therefore, it has been classified as a Variant of Uncertain Significance.

Color Diagnostics, LLC DBA Color Health
Classification: Uncertain significance for Hereditary cancer-predisposing syndrome. Last evaluated: 2025-09-10. Review status: criteria provided, single submitter. Criteria: ACMG Guidelines, 2015. Collection method: clinical testing. Allele origin: germline.
Comment: This missense variant replaces isoleucine with phenylalanine at codon 1583 of the BRCA2 protein. Computational prediction suggests that this variant may not impact protein structure and function. To our knowledge, functional studies have not been reported for this variant. A multifactorial analysis has reached a combined likelihood ratio (LR) of 1.686 based on reported LR for co-occurrence with a pathogenic variant and/or segregation and personal and family history for 1 carrier(PMID: 31853058). This variant has been identified in 2/250986 chromosomes in the general population by the Genome Aggregation Database (gnomAD). The available evidence is insufficient to determine the role of this variant in disease conclusively. Therefore, this variant is classified as a Variant of Uncertain Significance.

Ambry Genetics
Classification: Uncertain significance for Hereditary cancer-predisposing syndrome. Last evaluated: 2024-05-31. Review status: criteria provided, single submitter. Criteria: Ambry Variant Classification Scheme 2023. Collection method: clinical testing. Allele origin: germline.
Comment: The p.I1583F variant (also known as c.4747A>T), located in coding exon 10 of the BRCA2 gene, results from an A to T substitution at nucleotide position 4747. The isoleucine at codon 1583 is replaced by phenylalanine, an amino acid with highly similar properties. This amino acid position is poorly conserved in available vertebrate species. In addition, this alteration is predicted to be tolerated by in silico analysis. Since supporting evidence is limited at this time, the clinical significance of this alteration remains unclear.

Women's Health and Genetics/Laboratory Corporation of America, LabCorp
Classification: Uncertain significance. Last evaluated: 2024-01-03. Review status: criteria provided, single submitter. Criteria: LabCorp Variant Classification Summary - May 2015. Collection method: clinical testing. Allele origin: germline.

All of Us Research Program, National Institutes of Health
Classification: Uncertain significance for Breast-ovarian cancer, familial, susceptibility to, 2. Last evaluated: 2023-12-13. Review status: criteria provided, single submitter. Criteria: ACMG Guidelines, 2015. Collection method: clinical testing. Allele origin: germline. Inheritance: Autosomal dominant inheritance. Observed: 3 variant alleles, 3 heterozygotes.
Comment: This missense variant replaces isoleucine with phenylalanine at codon 1583 of the BRCA2 protein. Computational prediction suggests that this variant may not impact protein structure and function (internally defined REVEL score threshold <= 0.5, PMID: 27666373). To our knowledge, functional studies have not been reported for this variant. This variant has not been reported in individuals affected with BRCA2-related disorders in the literature. This variant has been identified in 2/250986 chromosomes in the general population by the Genome Aggregation Database (gnomAD). The available evidence is insufficient to determine the role of this variant in disease conclusively. Therefore, this variant is classified as a Variant of Uncertain Significance.

This study involves interpretation of variants in research participants for the purpose of population health screening. Participant phenotype was not available at the time of variant classification. Additional details can be found in publication PMID: 35346344, PMCID: PMC8962531

University of Washington Department of Laboratory Medicine, University of Washington
Classification: Likely benign for Hereditary cancer-predisposing syndrome. Last evaluated: 2023-03-23. Review status: criteria provided, single submitter. Criteria: Dines et al. (Genet Med. 2020). Collection method: curation. Allele origin: germline.
Comment: Missense variant in a coldspot region where missense variants are very unlikely to be pathogenic (PMID:31911673).

BRCA2 exon 11 coldspot. Reclassification based on statistical prior probability.

Quest Diagnostics Nichols Institute San Juan Capistrano
Classification: Uncertain significance. Last evaluated: 2020-03-05. Review status: criteria provided, single submitter. Criteria: Quest Diagnostics criteria. Collection method: clinical testing. Allele origin: unknown.

Sharing Clinical Reports Project (SCRP)
Classification: Uncertain significance for Breast-ovarian cancer, familial 2. Last evaluated: 2012-05-01. Review status: no assertion criteria provided. Collection method: clinical testing. Allele origin: germline. Not counted in ClinVar's aggregate classification.

Literature cited by the submitters: PubMed 31853058 (cited by Color Diagnostics, LLC DBA Color Health).